The following is an entry in ClinVar:

NM_001127222.2(CACNA1A):c.6641_6658del (p.His2214_His2219del)

Gene: CACNA1A (calcium voltage-gated channel subunit alpha1 A; minus strand). Cytogenetic location: 19p13.13.
Variant type: Deletion.
Coding change: c.6641_6658del on transcript NM_001127222.2 (MANE Select); coding-DNA positions 6641 to 6658, 18 bases deleted (ACCACCACCACCACCATC).
Protein change: p.His2214_His2219del.
Molecular consequence: inframe deletion.
Genome position (GRCh38, 1-based): chr19:13,208,878-13,208,895, GATGGTGGTGGTGGTGGT deleted on the plus strand (ACCACCACCACCACCATC on the coding strand, the reverse complement: CACNA1A is on the minus strand); deleting any 18 consecutive bases within chr19:13,208,878-13,208,896 gives the same sequence; the c. name uses the placement nearest the transcript's 3' end. VCF-style (leftmost placement, unchanged base first): chr19-13208877-GGATGGTGGTGGTGGTGGT-G. GRCh37 (hg19) VCF-style: chr19-13319691-GGATGGTGGTGGTGGTGGT-G.
Other names: c.6644_6661del18 (NM_001127221.1, NM_001127221.2); c.6659_6676del, p.His2220_His2225del (NM_000068.4, NM_023035.3); c.6644_6661del, p.His2215_His2220del (NM_001127221.2); c.6650_6667del, p.His2217_His2222del (NM_001174080.2).
Identifiers: ClinVar variation 589400 (VCV000589400.6), dbSNP rs1453912866, ClinGen allele CA783411398.

ClinVar aggregate classification (germline): Uncertain significance. Review status: criteria provided, multiple submitters, no conflicts (2 of 4 stars). 2 submissions from 2 submitters: Uncertain significance (2). Last evaluated 2025-10-13.

Conditions:
Inborn genetic diseases. Identifiers: MedGen C0950123, MeSH D030342.

Submissions (2):

Women's Health and Genetics/Laboratory Corporation of America, LabCorp
Classification: Uncertain significance. Last evaluated: 2025-10-13. Review status: criteria provided, single submitter. Criteria: LabCorp Variant Classification Summary - May 2015. Collection method: clinical testing. Allele origin: germline.
Comment: Variant summary: CACNA1A c.6644_6661del18 (p.His2215_His2220del) results in an in-frame deletion that is predicted to remove 6 amino acids from the encoded protein. The variant was absent in 117448 control chromosomes. The available data on variant occurrences in the general population are insufficient to allow any conclusion about variant significance. To our knowledge, no occurrence of c.6644_6661del18 in individuals affected with CACNA1A-related conditions and no experimental evidence demonstrating its impact on protein function have been reported. ClinVar contains an entry for this variant (Variation ID: 589400). Based on the evidence outlined above, the variant was classified as uncertain significance.

Ambry Genetics
Classification: Uncertain significance for Inborn genetic diseases. Last evaluated: 2016-09-20. Review status: criteria provided, single submitter. Criteria: Ambry Variant Classification Scheme 2023. Collection method: clinical testing. Allele origin: germline.
Comment: The c.6644_6661del18 variant (also known as p.H2215_H2220del) is located in coding exon 46 of the CACNA1A gene. This variant results from an in-frame deletion of 18 nucleotides at nucleotide positions 6644 to 6661. This results in the in-frame deletion of six histidines beginning at codon 2215. This variant was not reported in population based cohorts in the following databases: Database of Single Nucleotide Polymorphisms (dbSNP), NHLBI Exome Sequencing Project (ESP), and 1000 Genomes Project. In the ESP, this variant was not observed in 5142 samples (10284 alleles) with coverage at this position. This amino acid positions are well conserved in available vertebrate species. Since supporting evidence is limited at this time, the clinical significance of this alteration remains unclear.